The following is an entry in ClinVar:

ClinVar aggregate classification (germline): Benign. Review status: criteria provided, multiple submitters, no conflicts (2 of 4 stars). 3 submissions from 3 submitters: Benign (3). Last evaluated 2021-08-19.

Conditions:
Osteogenesis imperfecta type 8 (OI8). Identifiers: MedGen C1970458, MONDO:0012581, OMIM 610915.

Allele frequency attached by ClinVar (database versions not stated): ESP Exome Variant Server 0.51738; gnomAD 0.52507 and 0.53352; TOPMed 0.52589; gnomAD exomes 0.59390 and 0.60213; ExAC 0.59692; 1000 Genomes Project 30x 0.55028; 1000 Genomes Project 0.55411.
gnomAD v4.1: 943,027 of 1,603,846 alleles (59%); highest among the groups gnomAD compares: South Asian, 69%; 280,391 homozygotes.

Submissions (3):

Genome-Nilou Lab
Classification: Benign for Osteogenesis imperfecta type 8. Last evaluated: 2021-08-19. Review status: criteria provided, single submitter. Criteria: ACMG Guidelines, 2015. Collection method: clinical testing. Allele origin: germline. Affected: no.

GeneDx
Classification: Benign. Last evaluated: 2018-06-19. Review status: criteria provided, single submitter. Criteria: GeneDx Variant Classification (06012015). Collection method: clinical testing. Allele origin: germline. Affected: yes.
Comment: This variant is considered likely benign or benign based on one or more of the following criteria: it is a conservative change, it occurs at a poorly conserved position in the protein, it is predicted to be benign by multiple in silico algorithms, and/or has population frequency not consistent with disease.

Breakthrough Genomics
Classification: Benign. Review status: criteria provided, single submitter. Criteria: ACMG Guidelines, 2015. Collection method: not provided. Allele origin: germline. Inheritance: Autosomal recessive inheritance. Affected: yes.

NM_022356.4(P3H1):c.1839-30G>A

Gene: P3H1 (prolyl 3-hydroxylase 1; minus strand). Cytogenetic location: 1p34.2.
Variant type: single nucleotide variant.
Coding change: c.1839-30G>A on transcript NM_022356.4 (MANE Select); 30 bases into the intron before coding-DNA position 1839, G replaced by A.
Molecular consequence: intron variant.
Genome position (GRCh38, 1-based): chr1:42,747,828, C>T on the plus strand (G>A on the coding strand, the complement: P3H1 is on the minus strand). VCF-style: chr1-42747828-C-T. GRCh37 (hg19) VCF-style: chr1-43213499-C-T.
Other names: c.1839-30G>A (NM_001146289.2, NM_001243246.2).
Identifiers: ClinVar variation 674901 (VCV000674901.4), dbSNP rs3738499, ClinGen allele CA801670.